The following is an entry in ClinVar:

NM_001099922.3(ALG13):c.473C>G (p.Ser158Ter)

Gene: ALG13 (ALG13 UDP-N-acetylglucosaminyltransferase subunit; plus strand). Cytogenetic location: Xq23.
Variant type: single nucleotide variant.
Coding change: c.473C>G on transcript NM_001099922.3 (MANE Select); coding-DNA position 473, C replaced by G.
Protein change: p.Ser158Ter; replaces serine 158 with a stop codon.
Molecular consequence: nonsense. On other transcripts: non-coding transcript variant (1).
Genome position (GRCh38, 1-based): chrX:111,708,116, C>G. VCF-style: chrX-111708116-C-G. GRCh37 (hg19) VCF-style: chrX-110951344-C-G.
Other names: c.161C>G, p.Ser54Ter (NM_001257230.2, NM_001257234.2, NM_001257237.2 and 1 more transcripts); c.239C>G, p.Ser80Ter (NM_001257231.2); c.473C>G, p.Ser158Ter (NM_001324292.2); short protein forms S158*, S54*, S80*.
Identifiers: ClinVar variation 1698033 (VCV001698033.2), dbSNP rs2147996566, ClinGen allele CA414249384.

ClinVar aggregate classification (germline): Uncertain significance (1 of 4 stars; one submission).

gnomAD v4.1: 2 of 1,211,693 alleles (0.00017%); highest among the groups gnomAD compares: Non-Finnish European, 0.00022%; no homozygotes.

Submission:

GeneDx
Classification: Uncertain significance. Last evaluated: 2022-01-22. Review status: criteria provided, single submitter. Criteria: GeneDx Variant Classification Process June 2021. Collection method: clinical testing. Allele origin: germline. Affected: yes.
Comment: Not observed at significant frequency in large population cohorts (gnomAD); Nonsense variant predicted to result in protein truncation or nonsense mediated decay in a gene for which loss-of-function is not a known mechanism of disease; Has not been previously published as pathogenic or benign to our knowledge